The following is an entry in ClinVar:

ClinVar aggregate classification (germline): Uncertain significance (1 of 4 stars; one submission).

gnomAD v4.1: 2 of 1,614,048 alleles (0.00012%); highest among the groups gnomAD compares: East Asian, 0.0022%; no homozygotes.

Submission:

Dasa
Classification: Uncertain significance. Last evaluated: 2026-01-05. Review status: criteria provided, single submitter. Criteria: DASA Assertion Criteria. Collection method: clinical testing. Allele origin: germline.
Comment: NM_006164.5(NFE2L2):c.940A>T (p.Asn314Tyr) is a missense variant that results in the substitution of asparagine with tyrosine. This variant is rare in population databases. Computational prediction algorithms are consistent with a benign effect. The currently available literature and clinical evidence are not sufficient to establish a definitive association between this variant and the reported condition. Therefore, this variant is classified as a variant of uncertain significance.

NM_006164.5(NFE2L2):c.940A>T (p.Asn314Tyr)

Gene: NFE2L2 (NFE2 like bZIP transcription factor 2; minus strand). Cytogenetic location: 2q31.2.
Variant type: single nucleotide variant.
Coding change: c.940A>T on transcript NM_006164.5 (MANE Select); coding-DNA position 940, A replaced by T.
Protein change: p.Asn314Tyr; replaces asparagine 314 with tyrosine.
Molecular consequence: missense variant.
Genome position (GRCh38, 1-based): chr2:177,231,663, T>A on the plus strand (A>T on the coding strand, the complement: NFE2L2 is on the minus strand). VCF-style: chr2-177231663-T-A. GRCh37 (hg19) VCF-style: chr2-178096391-T-A.
Other names: c.871A>T, p.Asn291Tyr (NM_001145413.3); c.892A>T, p.Asn298Tyr (NM_001313900.1, NM_001313901.1, NM_001145412.3); c.850A>T, p.Asn284Tyr (NM_001313902.2); c.721A>T, p.Asn241Tyr (NM_001313903.2); c.640A>T, p.Asn214Tyr (NM_001313904.1); short protein forms N214Y, N241Y, N284Y, N291Y, N298Y, N314Y.
Identifiers: ClinVar variation 4885293 (VCV004885293.2).